The following is an entry in ClinVar:

ClinVar aggregate classification (germline): Uncertain significance (1 of 4 stars; one submission).

gnomAD v4.1: 12 of 1,614,054 alleles (0.00074%); highest among the groups gnomAD compares: East Asian, 0.016%; no homozygotes.

Submission:

Labcorp Genetics (formerly Invitae), Labcorp
Classification: Uncertain significance. Last evaluated: 2024-07-23. Review status: criteria provided, single submitter. Criteria: Invitae Variant Classification Sherloc (09022015). Collection method: clinical testing. Allele origin: germline.
Comment: This sequence change replaces alanine, which is neutral and non-polar, with threonine, which is neutral and polar, at codon 1813 of the NBAS protein (p.Ala1813Thr). This variant is present in population databases (rs757346977, gnomAD 0.01%). This variant has not been reported in the literature in individuals affected with NBAS-related conditions. Advanced modeling of protein sequence and biophysical properties (such as structural, functional, and spatial information, amino acid conservation, physicochemical variation, residue mobility, and thermodynamic stability) has been performed at Invitae for this missense variant, however the output from this modeling did not meet the statistical confidence thresholds required to predict the impact of this variant on NBAS protein function. In summary, the available evidence is currently insufficient to determine the role of this variant in disease. Therefore, it has been classified as a Variant of Uncertain Significance.

NM_015909.4(NBAS):c.5437G>A (p.Ala1813Thr)

Gene: NBAS (NBAS subunit of NRZ tethering complex; minus strand). Cytogenetic location: 2p24.3.
Variant type: single nucleotide variant.
Coding change: c.5437G>A on transcript NM_015909.4 (MANE Select); coding-DNA position 5437, G replaced by A.
Protein change: p.Ala1813Thr; replaces alanine 1813 with threonine.
Molecular consequence: missense variant. On other transcripts: non-coding transcript variant (1).
Genome position (GRCh38, 1-based): chr2:15,275,771, C>T on the plus strand (G>A on the coding strand, the complement: NBAS is on the minus strand). VCF-style: chr2-15275771-C-T. GRCh37 (hg19) VCF-style: chr2-15415895-C-T.
Other names: short protein forms A1813T.
Identifiers: ClinVar variation 3682376 (VCV003682376.2).